The following is an entry in ClinVar:

NM_003482.4(KMT2D):c.5184C>T (p.Asp1728=)

Gene: KMT2D (lysine methyltransferase 2D; minus strand). Cytogenetic location: 12q13.12.
Variant type: single nucleotide variant.
Coding change: c.5184C>T on transcript NM_003482.4 (MANE Select); coding-DNA position 5184, C replaced by T.
Protein change: p.Asp1728=; no amino-acid change (aspartic acid 1728 retained).
Molecular consequence: synonymous variant.
Genome position (GRCh38, 1-based): chr12:49,044,204, G>A on the plus strand (C>T on the coding strand, the complement: KMT2D is on the minus strand). VCF-style: chr12-49044204-G-A. GRCh37 (hg19) VCF-style: chr12-49437987-G-A.
Identifiers: ClinVar variation 1903797 (VCV001903797.7), dbSNP rs771243024, ClinGen allele CA6547609.

ClinVar aggregate classification (germline): Benign. Review status: criteria provided, single submitter (1 of 4 stars). 2 submissions from 2 submitters: Benign (1). 1 of the submissions does not count toward it. Last evaluated 2023-08-10.

Conditions:
KMT2D-related disorder. Also called: KMT2D-Related Disorders.
Kabuki syndrome. Also called: Kabuki make-up syndrome; NIIKAWA-KUROKI SYNDROME. Identifiers: Orphanet 2322, MedGen C0796004, MONDO:0016512.

Allele frequency attached by ClinVar (database versions not stated): ExAC 0.00001; gnomAD 0.00001; gnomAD exomes 0.00001; TOPMed 0.00001.

Submissions (2):

Labcorp Genetics (formerly Invitae), Labcorp
Classification: Benign for Kabuki syndrome. Last evaluated: 2023-08-10. Review status: criteria provided, single submitter. Criteria: Invitae Variant Classification Sherloc (09022015). Collection method: clinical testing. Allele origin: germline.

PreventionGenetics, part of Exact Sciences
Classification: Likely benign for KMT2D-related condition. Last evaluated: 2023-06-19. Review status: no assertion criteria provided. Collection method: clinical testing. Allele origin: germline. Not counted in ClinVar's aggregate classification.
Comment: This variant is classified as likely benign based on ACMG/AMP sequence variant interpretation guidelines (Richards et al. 2015 PMID: 25741868, with internal and published modifications).